The following is an entry in ClinVar:

NM_000268.4(NF2):c.1413_1428del (p.Leu472fs)

Gene: NF2 (NF2, moesin-ezrin-radixin like (MERLIN) tumor suppressor; plus strand). Cytogenetic location: 22q12.2.
Variant type: Deletion.
Coding change: c.1413_1428del on transcript NM_000268.4 (MANE Select); coding-DNA positions 1413 to 1428, 16 bases deleted (GCTCCTGGAGATTGCC).
Protein change: p.Leu472fs; shifts the reading frame from leucine 472.
Molecular consequence: frameshift variant. On other transcripts: non-coding transcript variant (1), intron variant (1).
Genome position (GRCh38, 1-based): chr22:29,674,908-29,674,923, GCTCCTGGAGATTGCC deleted. VCF-style (leftmost placement, unchanged base first): chr22-29674907-AGCTCCTGGAGATTGCC-A. GRCh37 (hg19) VCF-style: chr22-30070896-AGCTCCTGGAGATTGCC-A.
Other names: c.1413_1428del, p.Leu472fs (NM_016418.5, NM_181825.3, NM_181832.3); c.1287_1302del, p.Leu430fs (NM_181828.3); c.1290_1305del, p.Leu431fs (NM_181829.3); c.1164_1179del, p.Leu389fs (NM_181830.3, NM_181831.3); c.448-19844_448-19829del (NM_181833.3); short protein forms L430fs, L431fs, L472fs, L389fs.
Identifiers: ClinVar variation 936088 (VCV000936088.8), dbSNP rs2066915159, ClinGen allele CA1139667063.

ClinVar aggregate classification (germline): Pathogenic (1 of 4 stars; one submission).

Conditions:
Neurofibromatosis, type 2 (SWNV). Also called: BILATERAL ACOUSTIC NEUROFIBROMATOSIS; SCHWANNOMATOSIS, VESTIBULAR; NF2-Related Schwannomatosis. Identifiers: Orphanet 637, MedGen C0027832, MONDO:0007039, OMIM 101000. Disease mechanism: loss of function.

Submission:

Labcorp Genetics (formerly Invitae), Labcorp
Classification: Pathogenic for Neurofibromatosis, type 2. Last evaluated: 2019-08-08. Review status: criteria provided, single submitter. Criteria: Invitae Variant Classification Sherloc (09022015). Collection method: clinical testing. Allele origin: germline.
Comment: This variant is not present in population databases (ExAC no frequency). For these reasons, this variant has been classified as Pathogenic. Loss-of-function variants in NF2 are known to be pathogenic (PMID: 9643284, 16983642). This variant has not been reported in the literature in individuals with NF2-related conditions. This sequence change creates a premature translational stop signal (p.Leu472Profs*8) in the NF2 gene. It is expected to result in an absent or disrupted protein product.

Literature cited by the submitters: PubMed 9643284; PubMed 16983642.